The following is an entry in ClinVar:

NM_018834.6(MATR3):c.2504A>G (p.Asn835Ser)

Gene: MATR3 (matrin 3; plus strand). Cytogenetic location: 5q31.2.
Variant type: single nucleotide variant.
Coding change: c.2504A>G on transcript NM_018834.6 (MANE Select); coding-DNA position 2504, A replaced by G.
Protein change: p.Asn835Ser; replaces asparagine 835 with serine.
Molecular consequence: missense variant.
Genome position (GRCh38, 1-based): chr5:139,329,355, A>G. VCF-style: chr5-139329355-A-G. GRCh37 (hg19) VCF-style: chr5-138665044-A-G.
Other names: c.2504A>G, p.Asn835Ser (NM_001194954.2, NM_001194955.2, NM_199189.3); c.1640A>G, p.Asn547Ser (NM_001194956.2); c.1490A>G, p.Asn497Ser (NM_001282278.2); short protein forms N835S, N497S, N547S.
Identifiers: ClinVar variation 351142 (VCV000351142.26), dbSNP rs201165929, ClinGen allele CA3433486.

ClinVar aggregate classification (germline): Conflicting classifications of pathogenicity. Review status: criteria provided, conflicting classifications (1 of 4 stars). 5 submissions from 5 submitters: Uncertain significance (2); Benign (1); Likely benign (2). Last evaluated 2026-09-01.

Conditions:
Amyotrophic lateral sclerosis type 21. Also called: MYOPATHY, DISTAL, 2; VOCAL CORD AND PHARYNGEAL DYSFUNCTION WITH DISTAL MYOPATHY. Identifiers: Orphanet 600, Orphanet 803, MedGen C3807521, MONDO:0011632, OMIM 606070.
MATR3-related disorder. Also called: MATR3-related condition.

Allele frequency attached by ClinVar (database versions not stated): ESP Exome Variant Server 0.00008; TOPMed 0.00012; gnomAD exomes 0.00013; gnomAD 0.00015; ExAC 0.00016.
gnomAD v4.1: 206 of 1,611,670 alleles (0.013%); highest among the groups gnomAD compares: Non-Finnish European, 0.017%; 1 homozygote.

Submissions (5):

CeGaT Center for Human Genetics Tuebingen
Classification: Likely benign. Last evaluated: 2026-09-01. Review status: criteria provided, single submitter. Criteria: CeGaT Center For Human Genetics Tuebingen Variant Classification Criteria Version 2. Collection method: clinical testing. Allele origin: germline. Affected: yes. Observed: 3 variant alleles.
Comment: MATR3: BP4

Labcorp Genetics (formerly Invitae), Labcorp
Classification: Uncertain significance for Amyotrophic lateral sclerosis type 21. Last evaluated: 2026-02-01. Review status: criteria provided, single submitter. Criteria: Invitae Variant Classification Sherloc (09022015). Collection method: clinical testing. Allele origin: germline.
Comment: This sequence change replaces asparagine, which is neutral and polar, with serine, which is neutral and polar, at codon 835 of the MATR3 protein (p.Asn835Ser). This variant is present in population databases (rs201165929, gnomAD 0.03%), and has an allele count higher than expected for a pathogenic variant. This variant has not been reported in the literature in individuals affected with MATR3-related conditions. ClinVar contains an entry for this variant (Variation ID: 351142). An algorithm developed to predict the effect of missense changes on protein structure and function (PolyPhen-2) suggests that this variant is likely to be tolerated. In summary, the available evidence is currently insufficient to determine the role of this variant in disease. Therefore, it has been classified as a Variant of Uncertain Significance.

PreventionGenetics, part of Exact Sciences
Classification: Likely benign for MATR3-related condition. Last evaluated: 2025-04-08. Review status: criteria provided, single submitter. Criteria: ACMG Guidelines, 2015. Collection method: clinical testing. Allele origin: germline.
Comment: This variant is classified as likely benign based on ACMG/AMP sequence variant interpretation guidelines (Richards et al. 2015 PMID: 25741868, with internal and published modifications).

Revvity Omics, Revvity
Classification: Uncertain significance for Amyotrophic lateral sclerosis type 21. Last evaluated: 2019-10-23. Review status: criteria provided, single submitter. Criteria: ACMG Guidelines, 2015. Collection method: clinical testing. Allele origin: germline.

Illumina Laboratory Services, Illumina
Classification: Benign for Amyotrophic lateral sclerosis type 21. Last evaluated: 2018-01-12. Review status: criteria provided, single submitter. Criteria: ICSL Variant Classification Criteria 13 December 2019. Collection method: clinical testing. Allele origin: germline.
Comment: This variant was observed in the ICSL laboratory as part of a predisposition screen in an ostensibly healthy population. It had not been previously curated by ICSL or reported in the Human Gene Mutation Database (HGMD: prior to June 1st, 2018), and was therefore a candidate for classification through an automated scoring system. Utilizing variant allele frequency, disease prevalence and penetrance estimates, and inheritance mode, an automated score was calculated to assess if this variant is too frequent to cause the disease. Based on the score and internal cut-off values, a variant classified as benign is not then subjected to further curation. The score for this variant resulted in a classification of benign for this disease.